The following is an entry in ClinVar:

NM_002693.3(POLG):c.3001G>A (p.Gly1001Ser)

Gene: POLG (DNA polymerase gamma, catalytic subunit; minus strand). Cytogenetic location: 15q26.1.
Variant type: single nucleotide variant.
Coding change: c.3001G>A on transcript NM_002693.3 (MANE Select); coding-DNA position 3001, G replaced by A.
Protein change: p.Gly1001Ser; replaces glycine 1001 with serine.
Molecular consequence: missense variant.
Genome position (GRCh38, 1-based): chr15:89,319,331, C>T on the plus strand (G>A on the coding strand, the complement: POLG is on the minus strand). VCF-style: chr15-89319331-C-T. GRCh37 (hg19) VCF-style: chr15-89862562-C-T.
Other names: c.3001G>A (NM_002693.2); c.3001G>A, p.Gly1001Ser (NM_001126131.2); short protein forms G1001S.
Identifiers: ClinVar variation 1053851 (VCV001053851.12), dbSNP rs1469484812, ClinGen allele CA393751463.
Genomic context (GRCh38, chr15:89,319,331, plus strand): 5'-AAATCCAGCCACCCTCAGTCCTGTCCACTGGGAGGTTCAACTCCCTCACCAGCCACTCGC[C>T]CTCATCCGACAGCCGATACCTGGGGGCAGTGTTATCACCATCATTCCACGGGAGTGCTTC-3'
Protein context (NP_002684.1, residues 991-1011): GLRWYRLSDE[Gly1001Ser]EWLVRELNLP

ClinVar aggregate classification (germline): Uncertain significance. Review status: criteria provided, multiple submitters, no conflicts (2 of 4 stars). 2 submissions from 2 submitters: Uncertain significance (2). Last evaluated 2026-05-21.

Conditions:
POLG-related disorder. Also called: POLG-Related Spectrum Disorders; POLG-related condition; POLG-Related Disorders. Identifiers: MedGen C4763519.
Progressive sclerosing poliodystrophy (MTDPS4A). Also called: ALPERS DIFFUSE DEGENERATION OF CEREBRAL GRAY MATTER WITH HEPATIC CIRRHOSIS; Alpers-Huttenlocher Syndrome; ALPERS PROGRESSIVE INFANTILE POLIODYSTROPHY; Mitochondrial DNA Depletion Syndrome 4A; Alpers-Huttenlocher Syndrome (AHS); Mitochondrial DNA depletion syndrome 4A (Alpers type). Identifiers: Orphanet 726, MedGen C0205710, MONDO:0008758, OMIM 203700.

Allele frequency attached by ClinVar (database versions not stated): gnomAD exomes below 0.00001; TOPMed below 0.00001; gnomAD 0.00001.
gnomAD v4.1: 3 of 1,613,990 alleles (0.00019%); highest among the groups gnomAD compares: East Asian, 0.0022%; no homozygotes.

Submissions (2):

PreventionGenetics, part of Exact Sciences
Classification: Uncertain significance for POLG-related condition. Last evaluated: 2026-05-21. Review status: criteria provided, single submitter. Criteria: ACMG Guidelines, 2015. Collection method: clinical testing. Allele origin: germline.
Comment: The POLG c.3001G>A variant is predicted to result in the amino acid substitution p.Gly1001Ser. To our knowledge, this variant has not been reported in the literature or in a large population database (gnomAD), indicating this variant is rare. At this time, the clinical significance of this variant is uncertain due to the absence of conclusive functional and genetic evidence.

Labcorp Genetics (formerly Invitae), Labcorp
Classification: Uncertain significance for Progressive sclerosing poliodystrophy. Last evaluated: 2024-10-03. Review status: criteria provided, single submitter. Criteria: Invitae Variant Classification Sherloc (09022015). Collection method: clinical testing. Allele origin: germline.
Comment: This sequence change replaces glycine, which is neutral and non-polar, with serine, which is neutral and polar, at codon 1001 of the POLG protein (p.Gly1001Ser). This variant is not present in population databases (gnomAD no frequency). This variant has not been reported in the literature in individuals affected with POLG-related conditions. ClinVar contains an entry for this variant (Variation ID: 1053851). Invitae Evidence Modeling of protein sequence and biophysical properties (such as structural, functional, and spatial information, amino acid conservation, physicochemical variation, residue mobility, and thermodynamic stability) indicates that this missense variant is expected to disrupt POLG protein function with a positive predictive value of 80%. In summary, the available evidence is currently insufficient to determine the role of this variant in disease. Therefore, it has been classified as a Variant of Uncertain Significance.